The following is an entry in ClinVar:

NM_001572.5(IRF7):c.919C>T (p.His307Tyr)

Gene: IRF7 (interferon regulatory factor 7; minus strand). Cytogenetic location: 11p15.5.
Variant type: single nucleotide variant.
Coding change: c.919C>T on transcript NM_001572.5 (MANE Select); coding-DNA position 919, C replaced by T.
Protein change: p.His307Tyr; replaces histidine 307 with tyrosine.
Molecular consequence: missense variant.
Genome position (GRCh38, 1-based): chr11:613,524, G>A on the plus strand (C>T on the coding strand, the complement: IRF7 is on the minus strand). VCF-style: chr11-613524-G-A. GRCh37 (hg19) VCF-style: chr11-613524-G-A.
Other names: c.958C>T (NM_004031.2); c.832C>T, p.His278Tyr (NM_004029.4); c.958C>T, p.His320Tyr (NM_004031.4); short protein forms H320Y, H278Y, H307Y.
Identifiers: ClinVar variation 2200716 (VCV002200716.6), dbSNP rs543492536, ClinGen allele CA5783633.

ClinVar aggregate classification (germline): Uncertain significance. Review status: criteria provided, multiple submitters, no conflicts (2 of 4 stars). 2 submissions from 2 submitters: Uncertain significance (2). Last evaluated 2025-08-15.

Conditions:
Immunodeficiency 39 (IMD39). Identifiers: Orphanet 574918, MedGen C4225358, MONDO:0014597, OMIM 616345.

Allele frequency attached by ClinVar (database versions not stated): gnomAD exomes 0.00001; ExAC 0.00003; gnomAD 0.00008; TOPMed 0.00009; 1000 Genomes Project 30x 0.00031; 1000 Genomes Project 0.00040.

Submissions (2):

Labcorp Genetics (formerly Invitae), Labcorp
Classification: Uncertain significance for Immunodeficiency 39. Last evaluated: 2025-08-15. Review status: criteria provided, single submitter. Criteria: Invitae Variant Classification Sherloc (09022015). Collection method: clinical testing. Allele origin: germline.
Comment: This sequence change replaces histidine, which is basic and polar, with tyrosine, which is neutral and polar, at codon 320 of the IRF7 protein (p.His320Tyr). This variant is present in population databases (rs543492536, gnomAD 0.04%). This variant has not been reported in the literature in individuals affected with IRF7-related conditions. ClinVar contains an entry for this variant (Variation ID: 2200716). Invitae Evidence Modeling of protein sequence and biophysical properties (such as structural, functional, and spatial information, amino acid conservation, physicochemical variation, residue mobility, and thermodynamic stability) indicates that this missense variant is not expected to disrupt IRF7 protein function with a negative predictive value of 80%. In summary, the available evidence is currently insufficient to determine the role of this variant in disease. Therefore, it has been classified as a Variant of Uncertain Significance.

Ambry Genetics
Classification: Uncertain significance. Last evaluated: 2025-04-03. Review status: criteria provided, single submitter. Criteria: Ambry Variant Classification Scheme 2023. Collection method: clinical testing. Allele origin: germline.